The following is an entry in ClinVar:

ClinVar aggregate classification (germline): Uncertain significance (1 of 4 stars; one submission).

Conditions:
Emery-Dreifuss muscular dystrophy 5, autosomal dominant (EDMD5). Also called: EMERY-DREIFUSS MUSCULAR DYSTROPHY 5. Identifiers: Orphanet 261, MedGen C2751805, MONDO:0013072, OMIM 612999.

Allele frequency attached by ClinVar (database versions not stated): gnomAD exomes below 0.00001; ExAC 0.00001; gnomAD 0.00001; TOPMed 0.00002; ESP Exome Variant Server 0.00015.
gnomAD v4.1: 6 of 1,614,092 alleles (0.00037%); highest among the groups gnomAD compares: African/African-American, 0.008%; no homozygotes.

Submission:

Labcorp Genetics (formerly Invitae), Labcorp
Classification: Uncertain significance for Emery-Dreifuss muscular dystrophy 5, autosomal dominant. Last evaluated: 2023-10-03. Review status: criteria provided, single submitter. Criteria: Invitae Variant Classification Sherloc (09022015). Collection method: clinical testing. Allele origin: germline.
Comment: This sequence change replaces tryptophan, which is neutral and slightly polar, with serine, which is neutral and polar, at codon 5387 of the SYNE2 protein (p.Trp5387Ser). This variant is present in population databases (rs143555933, gnomAD 0.01%). This variant has not been reported in the literature in individuals affected with SYNE2-related conditions. ClinVar contains an entry for this variant (Variation ID: 2139197). An algorithm developed to predict the effect of missense changes on protein structure and function (PolyPhen-2) suggests that this variant is likely to be disruptive. In summary, the available evidence is currently insufficient to determine the role of this variant in disease. Therefore, it has been classified as a Variant of Uncertain Significance.

NM_182914.3(SYNE2):c.16160G>C (p.Trp5387Ser)

Gene: SYNE2 (spectrin repeat containing nuclear envelope protein 2; plus strand). Cytogenetic location: 14q23.2.
Variant type: single nucleotide variant.
Coding change: c.16160G>C on transcript NM_182914.3 (MANE Select); coding-DNA position 16160, G replaced by C.
Protein change: p.Trp5387Ser; replaces tryptophan 5387 with serine.
Molecular consequence: missense variant.
Genome position (GRCh38, 1-based): chr14:64,162,137, G>C. VCF-style: chr14-64162137-G-C. GRCh37 (hg19) VCF-style: chr14-64628855-G-C.
Other names: c.16160G>C, p.Trp5387Ser (NM_015180.6); short protein forms W5387S.
Identifiers: ClinVar variation 2139197 (VCV002139197.4), dbSNP rs143555933, ClinGen allele CA7223289.